The following is an entry in ClinVar:

ClinVar aggregate classification (germline): Uncertain significance. Review status: criteria provided, multiple submitters, no conflicts (2 of 4 stars). 3 submissions from 3 submitters: Uncertain significance (3). Last evaluated 2025-04-04.

Conditions:
DNAH1-related disorder. Also called: DNAH1-related condition.
Ciliary dyskinesia, primary, 37 (CILD37). Also called: CILIARY DYSKINESIA, PRIMARY, 37, WITH OR WITHOUT SITUS INVERSUS. Identifiers: MedGen C4539798, MONDO:0033204, OMIM 617577.
Spermatogenic failure 18. Identifiers: MedGen C4539783, MONDO:0054615, OMIM 617576.

Allele frequency attached by ClinVar (database versions not stated): gnomAD 0.00001; TOPMed 0.00003.
gnomAD v4.1: 23 of 1,602,508 alleles (0.0014%); highest among the groups gnomAD compares: Middle Eastern, 0.099%; 1 homozygote.

Submissions (3):

PreventionGenetics, part of Exact Sciences
Classification: Uncertain significance for DNAH1-related condition. Last evaluated: 2025-04-04. Review status: criteria provided, single submitter. Criteria: ACMG Guidelines, 2015. Collection method: clinical testing. Allele origin: germline.
Comment: The DNAH1 c.9157G>T variant is predicted to result in the amino acid substitution p.Val3053Leu. To our knowledge, this variant has not been reported in the literature. This variant is reported in 0.0071% of alleles in individuals of South Asian descent in gnomAD. At this time, the clinical significance of this variant is uncertain due to the absence of conclusive functional and genetic evidence.

Labcorp Genetics (formerly Invitae), Labcorp
Classification: Uncertain significance for Ciliary dyskinesia, primary, 37; Spermatogenic failure 18. Last evaluated: 2024-12-20. Review status: criteria provided, single submitter. Criteria: Invitae Variant Classification Sherloc (09022015). Collection method: clinical testing. Allele origin: germline.
Comment: This sequence change replaces valine, which is neutral and non-polar, with leucine, which is neutral and non-polar, at codon 3053 of the DNAH1 protein (p.Val3053Leu). The frequency data for this variant in the population databases is considered unreliable, as metrics indicate poor data quality at this position in the gnomAD database. This variant has not been reported in the literature in individuals affected with DNAH1-related conditions. ClinVar contains an entry for this variant (Variation ID: 643554). Invitae Evidence Modeling of protein sequence and biophysical properties (such as structural, functional, and spatial information, amino acid conservation, physicochemical variation, residue mobility, and thermodynamic stability) indicates that this missense variant is expected to disrupt DNAH1 protein function with a positive predictive value of 80%. In summary, the available evidence is currently insufficient to determine the role of this variant in disease. Therefore, it has been classified as a Variant of Uncertain Significance.

Blueprint Genetics
Classification: Uncertain significance. Last evaluated: 2023-08-28. Review status: criteria provided, single submitter. Criteria: ACMG Guidelines, 2015. Collection method: clinical testing. Allele origin: germline.

NM_015512.5(DNAH1):c.9157G>T (p.Val3053Leu)

Gene: DNAH1 (dynein axonemal heavy chain 1; plus strand). Cytogenetic location: 3p21.1.
Variant type: single nucleotide variant.
Coding change: c.9157G>T on transcript NM_015512.5 (MANE Select); coding-DNA position 9157, G replaced by T.
Protein change: p.Val3053Leu; replaces valine 3053 with leucine.
Molecular consequence: missense variant.
Genome position (GRCh38, 1-based): chr3:52,388,320, G>T. VCF-style: chr3-52388320-G-T. GRCh37 (hg19) VCF-style: chr3-52422336-G-T.
Other names: short protein forms V3053L.
Identifiers: ClinVar variation 643554 (VCV000643554.7), dbSNP rs781056727, ClinGen allele CA2435393.
Genomic context (GRCh38, chr3:52,388,320, plus strand): 5'-TGCACCTCCATCTGCCAGTGGGTGCGCGCCATGCACAAGTACCACTTTGTGGCCAAGGCC[G>T]TGGAGCCCAAGCGGGTGAGGGCTGAGTGGAGCTGGTGGGGGAGGGCTCCCCTCCCGGGGG-3'
Protein context (NP_056327.4, residues 3043-3063): MHKYHFVAKA[Val3053Leu]EPKRQALLEA